The following is an entry in ClinVar:

ClinVar aggregate classification (germline): Likely benign (1 of 4 stars; one submission).

Submission:

CeGaT Center for Human Genetics Tuebingen
Classification: Likely benign. Last evaluated: 2024-07-01. Review status: criteria provided, single submitter. Criteria: CeGaT Center For Human Genetics Tuebingen Variant Classification Criteria Version 2. Collection method: clinical testing. Allele origin: germline. Affected: yes. Observed: 3 variant alleles.
Comment: NBPF14: BP4, BS2

Single allele

Gene: NBPF14 (NBPF member 14; minus strand). Cytogenetic location: 1q21.2.
Variant type: single nucleotide variant.
Identifiers: ClinVar variation 3024819 (VCV003024819.17), dbSNP rs201345288, ClinGen allele CA1067282.